The following is an entry in ClinVar:

NM_001244008.2(KIF1A):c.4465-3A>C

Gene: KIF1A (kinesin family member 1A; minus strand). Cytogenetic location: 2q37.3.
Variant type: single nucleotide variant.
Coding change: c.4465-3A>C on transcript NM_001244008.2 (MANE Select); 3 bases into the intron before coding-DNA position 4465, A replaced by C.
Molecular consequence: intron variant.
Genome position (GRCh38, 1-based): chr2:240,722,659, T>G on the plus strand (A>C on the coding strand, the complement: KIF1A is on the minus strand). VCF-style: chr2-240722659-T-G. GRCh37 (hg19) VCF-style: chr2-241662076-T-G.
Other names: c.4162-3A>C (NM_001379653.1, NM_001379650.1, NM_001379641.1 and 2 more transcripts); c.4438-3A>C (NM_001379645.1, NM_001379633.1); c.4288-3A>C (NM_001379635.1, NM_001379646.1); c.4159-3A>C (NM_001379640.1); c.4186-3A>C (NM_001379639.1); c.4189-3A>C (NM_001379649.1, NM_001320705.2); c.4276-3A>C (NM_001379636.1); c.4441-3A>C (NM_001379632.1); and 7 more.
Identifiers: ClinVar variation 4792164 (VCV004792164.1).

ClinVar aggregate classification (germline): Uncertain significance (1 of 4 stars; one submission).

Conditions:
Neuropathy, hereditary sensory, type 2C. Also called: KIF1A-Related HSAN2 (HSAN2C); Hereditary sensory and autonomic neuropathy type IIC. Identifiers: Orphanet 970, MedGen C3280168, MONDO:0013634, OMIM 614213.
Hereditary spastic paraplegia 30. Identifiers: Orphanet 101010, MedGen C5235139, MONDO:0012476.
Intellectual disability, autosomal dominant 9 (NESCAVS). Also called: KIF1A-Related Neurodevelopmental Disorder; NESCAV SYNDROME. Identifiers: Orphanet 662367, MedGen C5393830, MONDO:0013656, OMIM 614255.

gnomAD v4.1: 1 of 1,518,716 alleles (0.000066%); highest among the groups gnomAD compares: Admixed American, 0.0021%; no homozygotes.

Submission:

Labcorp Genetics (formerly Invitae), Labcorp
Classification: Uncertain significance for Hereditary spastic paraplegia 30; Neuropathy, hereditary sensory, type 2C; Intellectual disability, autosomal dominant 9. Last evaluated: 2025-05-21. Review status: criteria provided, single submitter. Criteria: Invitae Variant Classification Sherloc (09022015). Collection method: clinical testing. Allele origin: germline.
Comment: This sequence change falls in intron 39 of the KIF1A gene. It does not directly change the encoded amino acid sequence of the KIF1A protein. It affects a nucleotide within the consensus splice site. This variant is present in population databases (no rsID available, gnomAD 0.005%). This variant has not been reported in the literature in individuals affected with KIF1A-related conditions. Variants that disrupt the consensus splice site are a relatively common cause of aberrant splicing (PMID: 17576681, 9536098). Algorithms developed to predict the effect of sequence changes on RNA splicing suggest that this variant is not likely to affect RNA splicing. In summary, the available evidence is currently insufficient to determine the role of this variant in disease. Therefore, it has been classified as a Variant of Uncertain Significance.

Literature cited by the submitters: PubMed 17576681; PubMed 9536098.